The following is an entry in ClinVar:

ClinVar aggregate classification (germline): Pathogenic (1 of 4 stars; one submission).

Submission:

Labcorp Genetics (formerly Invitae), Labcorp
Classification: Pathogenic. Last evaluated: 2025-07-27. Review status: criteria provided, single submitter. Criteria: Invitae Variant Classification Sherloc (09022015). Collection method: clinical testing. Allele origin: germline.
Comment: This sequence change creates a premature translational stop signal (p.Trp2480Thrfs*9) in the ADGRV1 gene. It is expected to result in an absent or disrupted protein product. Loss-of-function variants in ADGRV1 are known to be pathogenic (PMID: 19357117, 22135276, 22147658, 26226137, 30718709, 31047384, 32467589). This variant is present in population databases (rs761838479, gnomAD 0.006%). This variant has not been reported in the literature in individuals affected with ADGRV1-related conditions. ClinVar contains an entry for this variant (Variation ID: 1980112). For these reasons, this variant has been classified as Pathogenic.

Literature cited by the submitters: PubMed 19357117; PubMed 22135276; PubMed 22147658; PubMed 26226137; PubMed 30718709; PubMed 31047384; PubMed 32467589.

NM_032119.4(ADGRV1):c.7436_7437insTACTT (p.Trp2480fs)

Gene: ADGRV1 (adhesion G protein-coupled receptor V1; plus strand). Cytogenetic location: 5q14.3.
Variant type: Insertion.
Coding change: c.7436_7437insTACTT on transcript NM_032119.4 (MANE Select); coding-DNA positions 7436 to 7437, TACTT inserted.
Protein change: p.Trp2480fs; shifts the reading frame from tryptophan 2480.
Molecular consequence: frameshift variant. On other transcripts: non-coding transcript variant (1).
Genome position: GRCh38 VCF-style: chr5-90694188-G-GACTTT. GRCh37 (hg19) VCF-style: chr5-89990005-G-GACTTT.
Other names: short protein forms W2480fs.
Identifiers: ClinVar variation 1980112 (VCV001980112.4), dbSNP rs761838479, ClinGen allele CA3340031.
Genomic context (GRCh38, chr5:90,694,188, plus strand): 5'-TCTGAGGGTCCCCAGTGTTTCTGGATGACATCATGGATCAGCCCAGCTGTCAACAATTCA[G>GACTTT]ACTTCTGGACCTACAGGAAAAACATGACCAGGGTAGCATCTCTTTTTAGTGGTCAGGCTG-3'